The following is an entry in ClinVar:

ClinVar aggregate classification (germline): Uncertain significance. Review status: criteria provided, multiple submitters, no conflicts (2 of 4 stars). 2 submissions from 2 submitters: Uncertain significance (2). Last evaluated 2025-02-07.

Conditions:
DICER1-related tumor predisposition. Also called: DICER1-related pleuropulmonary blastoma cancer predisposition syndrome; DICER1 syndrome. Identifiers: Orphanet 284343, MedGen C3839822, MONDO:0100216.
Hereditary cancer-predisposing syndrome. Also called: Neoplastic Syndromes, Hereditary; Tumor predisposition; Hereditary Cancer Syndrome; Hereditary neoplastic syndrome. Identifiers: Orphanet 140162, MedGen C0027672, MeSH D009386, MONDO:0015356.

Submissions (2):

Labcorp Genetics (formerly Invitae), Labcorp
Classification: Uncertain significance for DICER1-related tumor predisposition. Last evaluated: 2025-02-07. Review status: criteria provided, single submitter. Criteria: Invitae Variant Classification Sherloc (09022015). Collection method: clinical testing. Allele origin: germline.
Comment: This sequence change replaces valine, which is neutral and non-polar, with methionine, which is neutral and non-polar, at codon 110 of the DICER1 protein (p.Val110Met). This variant is not present in population databases (gnomAD no frequency). This variant has not been reported in the literature in individuals affected with DICER1-related conditions. ClinVar contains an entry for this variant (Variation ID: 543613). Invitae Evidence Modeling of protein sequence and biophysical properties (such as structural, functional, and spatial information, amino acid conservation, physicochemical variation, residue mobility, and thermodynamic stability) indicates that this missense variant is not expected to disrupt DICER1 protein function with a negative predictive value of 95%. In summary, the available evidence is currently insufficient to determine the role of this variant in disease. Therefore, it has been classified as a Variant of Uncertain Significance.

Ambry Genetics
Classification: Uncertain significance for Hereditary cancer-predisposing syndrome. Last evaluated: 2021-11-04. Review status: criteria provided, single submitter. Criteria: Ambry Variant Classification Scheme 2023. Collection method: clinical testing. Allele origin: germline.
Comment: The p.V110M variant (also known as c.328G>A), located in coding exon 3 of the DICER1 gene, results from a G to A substitution at nucleotide position 328. The valine at codon 110 is replaced by methionine, an amino acid with highly similar properties. This amino acid position is well conserved in available vertebrate species. In addition, this alteration is predicted to be tolerated by in silico analysis. Since supporting evidence is limited at this time, the clinical significance of this alteration remains unclear.

NM_177438.3(DICER1):c.328G>A (p.Val110Met)

Gene: DICER1 (dicer 1, ribonuclease III; minus strand). Cytogenetic location: 14q32.13.
Variant type: single nucleotide variant.
Coding change: c.328G>A on transcript NM_177438.3 (MANE Select); coding-DNA position 328, G replaced by A.
Protein change: p.Val110Met; replaces valine 110 with methionine.
Molecular consequence: missense variant.
Genome position (GRCh38, 1-based): chr14:95,131,619, C>T on the plus strand (G>A on the coding strand, the complement: DICER1 is on the minus strand). VCF-style: chr14-95131619-C-T. GRCh37 (hg19) VCF-style: chr14-95597956-C-T.
Other names: c.328G>A, p.Val110Met (NM_001195573.1, NM_001271282.3, NM_001291628.2 and 1 more transcripts); short protein forms V110M.
Identifiers: ClinVar variation 543613 (VCV000543613.12), dbSNP rs1555376190, ClinGen allele CA390889402.